The following is an entry in ClinVar:

NM_004336.5(BUB1):c.1745G>C (p.Trp582Ser)

Gene: BUB1 (BUB1 mitotic checkpoint serine/threonine kinase; minus strand). Cytogenetic location: 2q13.
Variant type: single nucleotide variant.
Coding change: c.1745G>C on transcript NM_004336.5 (MANE Select); coding-DNA position 1745, G replaced by C.
Protein change: p.Trp582Ser; replaces tryptophan 582 with serine.
Molecular consequence: missense variant.
Genome position (GRCh38, 1-based): chr2:110,655,870, C>G on the plus strand (G>C on the coding strand, the complement: BUB1 is on the minus strand). VCF-style: chr2-110655870-C-G. GRCh37 (hg19) VCF-style: chr2-111413447-C-G.
Other names: c.1685G>C, p.Trp562Ser (NM_001278616.2); c.1745G>C, p.Trp582Ser (NM_001278617.2); short protein forms W562S, W582S.
Identifiers: ClinVar variation 3483073 (VCV003483073.1).

ClinVar aggregate classification (germline): Uncertain significance (1 of 4 stars; one submission).

gnomAD v4.1: 2 of 1,613,860 alleles (0.00012%); highest among the groups gnomAD compares: South Asian, 0.0022%; no homozygotes.

Submission:

Ambry Genetics
Classification: Uncertain significance. Last evaluated: 2024-10-11. Review status: criteria provided, single submitter. Criteria: Ambry Variant Classification Scheme 2023. Collection method: clinical testing. Allele origin: germline.
Comment: The p.W582S variant (also known as c.1745G>C), located in coding exon 16 of the BUB1 gene, results from a G to C substitution at nucleotide position 1745. The tryptophan at codon 582 is replaced by serine, an amino acid with highly dissimilar properties. This amino acid position is conserved. In addition, this alteration is predicted to be tolerated by in silico analysis. Based on the available evidence, the clinical significance of this variant remains unclear.